The following is an entry in ClinVar:

ClinVar aggregate classification (germline): Uncertain significance (1 of 4 stars; one submission).

Conditions:
Cataract 18 (CATC2). Also called: CATARACT 18, AUTOSOMAL RECESSIVE. Identifiers: Orphanet 91492, Orphanet 98991, Orphanet 98992, Orphanet 98995, MedGen C1864908, MONDO:0012395, OMIM 610019.

Allele frequency attached by ClinVar (database versions not stated): gnomAD exomes 0.00002; ExAC 0.00003; gnomAD 0.00004 and 0.00005; TOPMed 0.00004; ESP Exome Variant Server 0.00008.
gnomAD v4.1: 32 of 1,614,164 alleles (0.002%); highest among the groups gnomAD compares: African/African-American, 0.012%; no homozygotes.

Submission:

Labcorp Genetics (formerly Invitae), Labcorp
Classification: Uncertain significance for Cataract 18. Last evaluated: 2024-10-29. Review status: criteria provided, single submitter. Criteria: Invitae Variant Classification Sherloc (09022015). Collection method: clinical testing. Allele origin: germline.
Comment: This sequence change replaces arginine, which is basic and polar, with histidine, which is basic and polar, at codon 1221 of the FYCO1 protein (p.Arg1221His). This variant is present in population databases (rs375376263, gnomAD 0.01%). This variant has not been reported in the literature in individuals affected with FYCO1-related conditions. ClinVar contains an entry for this variant (Variation ID: 938524). Invitae Evidence Modeling of protein sequence and biophysical properties (such as structural, functional, and spatial information, amino acid conservation, physicochemical variation, residue mobility, and thermodynamic stability) indicates that this missense variant is expected to disrupt FYCO1 protein function with a positive predictive value of 80%. In summary, the available evidence is currently insufficient to determine the role of this variant in disease. Therefore, it has been classified as a Variant of Uncertain Significance.

NM_024513.4(FYCO1):c.3662G>A (p.Arg1221His)

Gene: FYCO1 (FYVE and coiled-coil domain autophagy adaptor 1; minus strand). Cytogenetic location: 3p21.31.
Variant type: single nucleotide variant.
Coding change: c.3662G>A on transcript NM_024513.4 (MANE Select); coding-DNA position 3662, G replaced by A.
Protein change: p.Arg1221His; replaces arginine 1221 with histidine.
Molecular consequence: missense variant.
Genome position (GRCh38, 1-based): chr3:45,958,545, C>T on the plus strand (G>A on the coding strand, the complement: FYCO1 is on the minus strand). VCF-style: chr3-45958545-C-T. GRCh37 (hg19) VCF-style: chr3-46000037-C-T.
Other names: short protein forms R1221H.
Identifiers: ClinVar variation 938524 (VCV000938524.3), dbSNP rs375376263, ClinGen allele CA2352715.
Genomic context (GRCh38, chr3:45,958,545, plus strand): 5'-CCACTGCTATCAGGGGAGCCAGGGCCTTCACTGAGCTTCTGGAAACAGGCTCGGCAGCAG[C>T]GCTCCTTTTTGCCACCGTGCTTGCTCAGGACGTAGTTGTTGCAGCAGTAGTAACAGAAGA-3'
Protein context (NP_078789.2, residues 1211-1231): VLSKHGGKKE[Arg1221His]CCRACFQKLS